The following is an entry in ClinVar:

NM_001164277.2(SLC37A4):c.234del (p.Trp78fs)

Gene: SLC37A4 (solute carrier family 37 member 4; minus strand). Cytogenetic location: 11q23.3.
Variant type: Deletion.
Coding change: c.234del on transcript NM_001164277.2 (MANE Select); coding-DNA position 234, one base deleted (G; older notation c.234delG).
Protein change: p.Trp78fs; shifts the reading frame from tryptophan 78.
Molecular consequence: frameshift variant.
Genome position (GRCh38, 1-based): chr11:119,028,341, C deleted on the plus strand (G on the coding strand, the reverse complement: SLC37A4 is on the minus strand); the first of 2 consecutive C bases (chr11:119,028,341-119,028,342); deleting either gives the same sequence. VCF-style (leftmost placement, unchanged base first): chr11-119028340-GC-G. GRCh37 (hg19) VCF-style: chr11-118899050-GC-G.
Other names: c.234del, p.Trp78fs (NM_001164278.2, NM_001164280.2, NM_001467.6); c.15del, p.Trp5fs (NM_001164279.2); short protein forms W5fs, W78fs.
Identifiers: ClinVar variation 5003879 (VCV005003879.1).

ClinVar aggregate classification (germline): Pathogenic (1 of 4 stars; one submission).

Conditions:
Glycogen storage disease, type I. Identifiers: Orphanet 364, MedGen C0017920, MONDO:0002413.

Submission:

Myriad Genetics, Inc.
Classification: Pathogenic for Glycogen storage disease, type I. Last evaluated: 2026-03-31. Review status: criteria provided, single submitter. Criteria: Myriad Autosomal Dominant, Autosomal Recessive and X-Linked Classification Criteria (2023). Collection method: clinical testing. Allele origin: unknown.
Comment: NM_001164277.1(SLC37A4):c.234delG(W78Cfs*68) is a frameshift variant classified as pathogenic in the context of glycogen storage disease type Ib. W78Cfs*68 has not been observed in cases with relevant disease. Relevant functional assessments of this variant are not available in the literature. W78Cfs*68 has not been observed in referenced population frequency databases. In summary, NM_001164277.1(SLC37A4):c.234delG(W78Cfs*68) is a frameshift variant in a gene where loss of function is a known mechanism of disease and is predicted to disrupt protein function. Please note: this variant was assessed in the context of healthy population screening.